The following is an entry in ClinVar:

ClinVar aggregate classification (germline): Uncertain significance. Review status: criteria provided, multiple submitters, no conflicts (2 of 4 stars). 2 submissions from 2 submitters: Uncertain significance (2). Last evaluated 2025-07-29.

Conditions:
Charcot-Marie-Tooth disease type 4A. Also called: Charcot-Marie-Tooth disease, demyelinating, autosomal recessive, type 4a. Identifiers: Orphanet 99948, MedGen C1859198, MONDO:0008961, OMIM 214400.
Inborn genetic diseases. Identifiers: MedGen C0950123, MeSH D030342.

gnomAD v4.1: 5 of 1,613,346 alleles (0.00031%); highest among the groups gnomAD compares: Non-Finnish European, 0.00042%; no homozygotes.

Submissions (2):

Labcorp Genetics (formerly Invitae), Labcorp
Classification: Uncertain significance for Charcot-Marie-Tooth disease type 4A. Last evaluated: 2025-07-29. Review status: criteria provided, single submitter. Criteria: Invitae Variant Classification Sherloc (09022015). Collection method: clinical testing. Allele origin: germline.
Comment: This sequence change replaces tyrosine, which is neutral and polar, with cysteine, which is neutral and slightly polar, at codon 136 of the GDAP1 protein (p.Tyr136Cys). This variant is not present in population databases (gnomAD no frequency). This missense change has been observed in individual(s) with clinical features of Charcot-Marie-Tooth disease (PMID: 32376792). ClinVar contains an entry for this variant (Variation ID: 2247014). Invitae Evidence Modeling of protein sequence and biophysical properties (such as structural, functional, and spatial information, amino acid conservation, physicochemical variation, residue mobility, and thermodynamic stability) has been performed for this missense variant. However, the output from this modeling did not meet the statistical confidence thresholds required to predict the impact of this variant on GDAP1 protein function. In summary, the available evidence is currently insufficient to determine the role of this variant in disease. Therefore, it has been classified as a Variant of Uncertain Significance.

Ambry Genetics
Classification: Uncertain significance for Inborn genetic diseases. Last evaluated: 2021-08-30. Review status: criteria provided, single submitter. Criteria: Ambry Variant Classification Scheme 2023. Collection method: clinical testing. Allele origin: germline.

Literature cited by the submitters: PubMed 32376792 (cited by Labcorp Genetics (formerly Invitae), Labcorp).

NM_018972.4(GDAP1):c.407A>G (p.Tyr136Cys)

Gene: GDAP1 (ganglioside induced differentiation associated protein 1; plus strand). Cytogenetic location: 8q21.11.
Variant type: single nucleotide variant.
Coding change: c.407A>G on transcript NM_018972.4 (MANE Select); coding-DNA position 407, A replaced by G.
Protein change: p.Tyr136Cys; replaces tyrosine 136 with cysteine.
Molecular consequence: missense variant. On other transcripts: intron variant (1).
Genome position (GRCh38, 1-based): chr8:74,360,233, A>G. VCF-style: chr8-74360233-A-G. GRCh37 (hg19) VCF-style: chr8-75272468-A-G.
Other names: c.203A>G, p.Tyr68Cys (NM_001040875.4); c.80A>G, p.Tyr27Cys (NM_001362929.2, NM_001362932.2); c.407A>G, p.Tyr136Cys (NM_001362931.2); c.311-1651A>G (NM_001362930.2); short protein forms Y136C, Y27C, Y68C.
Identifiers: ClinVar variation 2247014 (VCV002247014.3), dbSNP rs1292509129, ClinGen allele CA371548702.